The following is an entry in ClinVar:

ClinVar aggregate classification (germline): Uncertain significance. Review status: criteria provided, multiple submitters, no conflicts (2 of 4 stars). 2 submissions from 2 submitters: Uncertain significance (2). Last evaluated 2026-06-02.

Conditions:
Hereditary cancer-predisposing syndrome. Also called: Tumor predisposition; Neoplastic Syndromes, Hereditary; Hereditary neoplastic syndrome; Hereditary Cancer Syndrome. Identifiers: Orphanet 140162, MedGen C0027672, MeSH D009386, MONDO:0015356.

gnomAD v4.1: 1 of 1,604,564 alleles (0.000062%); highest among the groups gnomAD compares: Non-Finnish European, 0.000085%; no homozygotes.

Submissions (2):

Ambry Genetics
Classification: Uncertain significance for Hereditary cancer-predisposing syndrome. Last evaluated: 2026-06-02. Review status: criteria provided, single submitter. Criteria: Ambry Variant Classification Scheme 2023. Collection method: clinical testing. Allele origin: germline.
Comment: The p.P269S variant (also known as c.805C>T), located in coding exon 9 of the POLE gene, results from a C to T substitution at nucleotide position 805. The proline at codon 269 is replaced by serine, an amino acid with similar properties. This amino acid position is conserved. In addition, the in silico prediction for this alteration is inconclusive. Based on the available evidence, the clinical significance of this variant remains unclear.

Labcorp Genetics (formerly Invitae), Labcorp
Classification: Uncertain significance. Last evaluated: 2025-08-07. Review status: criteria provided, single submitter. Criteria: Invitae Variant Classification Sherloc (09022015). Collection method: clinical testing. Allele origin: germline.
Comment: This sequence change replaces proline, which is neutral and non-polar, with serine, which is neutral and polar, at codon 269 of the POLE protein (p.Pro269Ser). This variant is not present in population databases (gnomAD no frequency). This variant has not been reported in the literature in individuals affected with POLE-related conditions. ClinVar contains an entry for this variant (Variation ID: 862869). Invitae Evidence Modeling of protein sequence and biophysical properties (such as structural, functional, and spatial information, amino acid conservation, physicochemical variation, residue mobility, and thermodynamic stability) indicates that this missense variant is not expected to disrupt POLE protein function with a negative predictive value of 80%. In summary, the available evidence is currently insufficient to determine the role of this variant in disease. Therefore, it has been classified as a Variant of Uncertain Significance.

NM_006231.4(POLE):c.805C>T (p.Pro269Ser)

Gene: POLE (DNA polymerase epsilon, catalytic subunit; minus strand). Cytogenetic location: 12q24.33.
Variant type: single nucleotide variant.
Coding change: c.805C>T on transcript NM_006231.4 (MANE Select); coding-DNA position 805, C replaced by T.
Protein change: p.Pro269Ser; replaces proline 269 with serine.
Molecular consequence: missense variant.
Genome position (GRCh38, 1-based): chr12:132,676,650, G>A on the plus strand (C>T on the coding strand, the complement: POLE is on the minus strand). VCF-style: chr12-132676650-G-A. GRCh37 (hg19) VCF-style: chr12-133253236-G-A.
Other names: c.805C>T (NM_006231.2); short protein forms P269S.
Identifiers: ClinVar variation 862869 (VCV000862869.12), dbSNP rs757438555, ClinGen allele CA387364380.